The following is an entry in ClinVar:

NM_004247.4(EFTUD2):c.2033C>T (p.Thr678Met)

Gene: EFTUD2 (elongation factor Tu GTP binding domain containing 2; minus strand). Cytogenetic location: 17q21.31.
Variant type: single nucleotide variant.
Coding change: c.2033C>T on transcript NM_004247.4 (MANE Select); coding-DNA position 2033, C replaced by T.
Protein change: p.Thr678Met; replaces threonine 678 with methionine.
Molecular consequence: missense variant.
Genome position (GRCh38, 1-based): chr17:44,857,087, G>A on the plus strand (C>T on the coding strand, the complement: EFTUD2 is on the minus strand). VCF-style: chr17-44857087-G-A. GRCh37 (hg19) VCF-style: chr17-42934455-G-A.
Other names: c.1928C>T, p.Thr643Met (NM_001142605.2); c.2033C>T, p.Thr678Met (NM_001258353.2); c.2003C>T, p.Thr668Met (NM_001258354.2); short protein forms T643M, T668M, T678M.
Identifiers: ClinVar variation 1698889 (VCV001698889.2), dbSNP rs781402078, ClinGen allele CA8607618.

ClinVar aggregate classification (germline): Likely pathogenic (1 of 4 stars; one submission).

Conditions:
Mandibulofacial dysostosis-microcephaly syndrome (MFDGA). Also called: Growth and mental retardation, mandibulofacial dysostosis, microcephaly, and cleft palate; Mandibulofacial dysostosis, Guion-Almeida type. Identifiers: Orphanet 79113, MedGen C1864652, MONDO:0012516, OMIM 610536.

Allele frequency attached by ClinVar (database versions not stated): gnomAD exomes below 0.00001; ExAC 0.00001.

Submission:

Genetics and Molecular Pathology, SA Pathology
Classification: Likely pathogenic for Mandibulofacial dysostosis-microcephaly syndrome. Last evaluated: 2020-08-06. Review status: criteria provided, single submitter. Criteria: ACMG Guidelines, 2015. Collection method: clinical testing. Allele origin: germline. Affected: yes.
Comment: The EFTUD2 c.2033C>T variant is a single nucleotide change from a cytosine to a thymine at position 2033 which is predicted to substitute the amino acid threonine at position 678 in the protein to methionine. This variant has not been reported in the literature to date, but a different missense variant p.(Thr678Lys) has been reported at the same amino acid position in a patient with mandibulofacial dysostosis with microcephaly (PMID: 26507355) where it was de novo and classified as likely pathogenic (LOVD EFTUD2_000065) (PM5). The gene shows constraint for both missense and LOF variants and missense variants are a common mechanism of disease (PP2). The variant is in dbSNP (rs781402078) but is absent from population databases (PM2). The variant has not been reported in the ClinVar or HGMD disease databases. Computational predictions support a deleterious effect on the gene or gene product (PP3). The patient's phenotype is highly specific for a disease with a single genetic aetiology; EFTUD2 was in the list of genes for analysis supplied by the requesting clinician (PP4). The EFTUD2 c.2033C>T variant is classified as a LIKELY PATHOGENIC VARIANT (PM2, PM5, PP2, PP3, PP4 ).

Literature cited by the submitters: PubMed 26507355.